The following is an entry in ClinVar:

ClinVar aggregate classification (germline): Uncertain significance. Review status: criteria provided, single submitter (1 of 4 stars). 2 submissions from 2 submitters: Uncertain significance (1). 1 of the submissions does not count toward it. Last evaluated 2025-02-07.

Conditions:
PLXNA2-related disorder. Also called: PLXNA2-related condition.

Allele frequency attached by ClinVar (database versions not stated): gnomAD 0.00001; gnomAD exomes 0.00003; TOPMed 0.00003; ExAC 0.00007; 1000 Genomes Project 0.00020; 1000 Genomes Project 30x 0.00031.
gnomAD v4.1: 17 of 1,614,180 alleles (0.0011%); highest among the groups gnomAD compares: Admixed American, 0.028%; no homozygotes.

Submissions (2):

Ambry Genetics
Classification: Uncertain significance. Last evaluated: 2025-02-07. Review status: criteria provided, single submitter. Criteria: Ambry Variant Classification Scheme 2023. Collection method: clinical testing. Allele origin: germline.

PreventionGenetics, part of Exact Sciences
Classification: Uncertain significance for PLXNA2-related condition. Last evaluated: 2024-06-30. Review status: no assertion criteria provided. Collection method: clinical testing. Allele origin: germline. Not counted in ClinVar's aggregate classification.
Comment: The PLXNA2 c.481A>G variant is predicted to result in the amino acid substitution p.Ser161Gly. To our knowledge, this variant has not been reported in the literature. This variant is reported in 0.046% of alleles in individuals of Latino descent in gnomAD. Although we suspect that this variant may be benign, at this time, the clinical significance of this variant is uncertain due to the absence of conclusive functional and genetic evidence.

NM_025179.4(PLXNA2):c.481A>G (p.Ser161Gly)

Gene: PLXNA2 (plexin A2; minus strand). Cytogenetic location: 1q32.2.
Variant type: single nucleotide variant.
Coding change: c.481A>G on transcript NM_025179.4 (MANE Select); coding-DNA position 481, A replaced by G.
Protein change: p.Ser161Gly; replaces serine 161 with glycine.
Molecular consequence: missense variant.
Genome position (GRCh38, 1-based): chr1:208,217,442, T>C on the plus strand (A>G on the coding strand, the complement: PLXNA2 is on the minus strand). VCF-style: chr1-208217442-T-C. GRCh37 (hg19) VCF-style: chr1-208390787-T-C.
Other names: short protein forms S161G.
Identifiers: ClinVar variation 3031465 (VCV003031465.3), dbSNP rs199587642, ClinGen allele CA1374069.
Genomic context (GRCh38, chr1:208,217,442, plus strand): 5'-TGCCATCCTCACCCTCAGAGCGCACAATCACCCCGTACATGGTGCCCGTCTTGTTGACAC[T>C]GGACAGGTAGTGCTCCTTCTTGTGGGATGGCTCCACCAGGATGAAGAGGTCATCCAGCCG-3'
Protein context (NP_079455.3, residues 151-171): PSHKKEHYLS[Ser161Gly]VNKTGTMYGV